The following is an entry in ClinVar:

NM_020223.4(FAM20C):c.1299G>A (p.Pro433=)

Gene: FAM20C (FAM20C golgi associated secretory pathway kinase; plus strand). Cytogenetic location: 7p22.3.
Variant type: single nucleotide variant.
Coding change: c.1299G>A on transcript NM_020223.4 (MANE Select); coding-DNA position 1299, G replaced by A.
Protein change: p.Pro433=; no amino-acid change (proline 433 retained).
Molecular consequence: synonymous variant.
Genome position (GRCh38, 1-based): chr7:256,699, G>A. VCF-style: chr7-256699-G-A. GRCh37 (hg19) VCF-style: chr7-296665-G-A.
Other names: c.1299G>A (NM_020223.3).
Identifiers: ClinVar variation 593773 (VCV000593773.38), dbSNP rs568534039, ClinGen allele CA4109152.

ClinVar aggregate classification (germline): Conflicting classifications of pathogenicity. Review status: criteria provided, conflicting classifications (1 of 4 stars). 5 submissions from 5 submitters: Uncertain significance (1); Likely benign (3). 1 of the submissions does not count toward it. Last evaluated 2026-01-19.

Conditions:
FAM20C-related disorder. Also called: FAM20C-related condition.

Allele frequency attached by ClinVar (database versions not stated): ExAC below 0.00001; TOPMed 0.00020; gnomAD 0.00021 and 0.00024; 1000 Genomes Project 0.00080; 1000 Genomes Project 30x 0.00094.
gnomAD v4.1: 142 of 1,536,114 alleles (0.0092%); highest among the groups gnomAD compares: African/African-American, 0.082%; 1 homozygote.

Submissions (5):

Labcorp Genetics (formerly Invitae), Labcorp
Classification: Likely benign. Last evaluated: 2026-01-19. Review status: criteria provided, single submitter. Criteria: Invitae Variant Classification Sherloc (09022015). Collection method: clinical testing. Allele origin: germline.

Blueprint Genetics
Classification: Likely benign. Last evaluated: 2024-10-14. Review status: criteria provided, single submitter. Criteria: ACMG Guidelines, 2015. Collection method: clinical testing. Allele origin: germline.

CeGaT Center for Human Genetics Tuebingen
Classification: Likely benign. Last evaluated: 2022-08-01. Review status: criteria provided, single submitter. Criteria: CeGaT Center For Human Genetics Tuebingen Variant Classification Criteria Version 2. Collection method: clinical testing. Allele origin: germline. Affected: yes. Observed: 1 variant allele.
Comment: FAM20C: BP4, BP7

Eurofins Ntd Llc (ga)
Classification: Uncertain significance. Last evaluated: 2017-09-07. Review status: criteria provided, single submitter. Criteria: EGL Classification Definitions 2015. Collection method: clinical testing. Allele origin: germline. Observed: 1 variant allele, 1 heterozygote.

PreventionGenetics, part of Exact Sciences
Classification: Likely benign for FAM20C-related condition. Last evaluated: 2023-12-20. Review status: no assertion criteria provided. Collection method: clinical testing. Allele origin: germline. Not counted in ClinVar's aggregate classification.
Comment: This variant is classified as likely benign based on ACMG/AMP sequence variant interpretation guidelines (Richards et al. 2015 PMID: 25741868, with internal and published modifications).